The following is an entry in ClinVar:

ClinVar aggregate classification (germline): Benign/Likely benign. Review status: criteria provided, multiple submitters, no conflicts (2 of 4 stars). 4 submissions from 4 submitters: Benign (1); Likely benign (3). Last evaluated 2025-09-15.

Conditions:
EPS8-related disorder. Also called: EPS8-related condition.

Allele frequency attached by ClinVar (database versions not stated): gnomAD exomes 0.00031 and 0.00012; ExAC 0.00048; gnomAD 0.00136 and 0.00145; ESP Exome Variant Server 0.00138; 1000 Genomes Project 0.00140; 1000 Genomes Project 30x 0.00156; TOPMed 0.00177.
gnomAD v4.1: 384 of 1,601,616 alleles (0.024%); highest among the groups gnomAD compares: African/African-American, 0.47%; 1 homozygote.

Submissions (4):

Labcorp Genetics (formerly Invitae), Labcorp
Classification: Benign. Last evaluated: 2025-09-15. Review status: criteria provided, single submitter. Criteria: Invitae Variant Classification Sherloc (09022015). Collection method: clinical testing. Allele origin: germline.

PreventionGenetics, part of Exact Sciences
Classification: Likely benign for EPS8-related condition. Last evaluated: 2025-08-29. Review status: criteria provided, single submitter. Criteria: ACMG Guidelines, 2015. Collection method: clinical testing. Allele origin: germline.
Comment: This variant is classified as likely benign based on ACMG/AMP sequence variant interpretation guidelines (Richards et al. 2015 PMID: 25741868, with internal and published modifications).

Blueprint Genetics
Classification: Likely benign. Last evaluated: 2024-10-24. Review status: criteria provided, single submitter. Criteria: ACMG Guidelines, 2015. Collection method: clinical testing. Allele origin: germline.

GeneDx
Classification: Likely benign. Last evaluated: 2021-01-30. Review status: criteria provided, single submitter. Criteria: GeneDx Variant Classification Process June 2021. Collection method: clinical testing. Allele origin: germline. Affected: yes.

NM_004447.6(EPS8):c.825C>T (p.His275=)

Gene: EPS8 (EGFR pathway substrate 8, signaling adaptor; minus strand). Cytogenetic location: 12p12.3.
Variant type: single nucleotide variant.
Coding change: c.825C>T on transcript NM_004447.6 (MANE Select); coding-DNA position 825, C replaced by T.
Protein change: p.His275=; no amino-acid change (histidine 275 retained).
Molecular consequence: synonymous variant.
Genome position (GRCh38, 1-based): chr12:15,660,726, G>A on the plus strand (C>T on the coding strand, the complement: EPS8 is on the minus strand). VCF-style: chr12-15660726-G-A. GRCh37 (hg19) VCF-style: chr12-15813660-G-A.
Identifiers: ClinVar variation 513632 (VCV000513632.14), dbSNP rs138518548, ClinGen allele CA6467739.